The following is an entry in ClinVar:

ClinVar aggregate classification (germline): Likely benign. Review status: criteria provided, multiple submitters, no conflicts (2 of 4 stars). 3 submissions from 3 submitters: Likely benign (2). 1 of the submissions does not count toward it. Last evaluated 2026-03-01.

Conditions:
CDSN-related disorder. Also called: CDSN-related condition.

Allele frequency attached by ClinVar (database versions not stated): gnomAD 0.00025; ESP Exome Variant Server 0.00031; gnomAD exomes 0.00051; ExAC 0.00052.
gnomAD v4.1: 771 of 1,613,980 alleles (0.048%); highest among the groups gnomAD compares: Non-Finnish European, 0.059%; no homozygotes.

Submissions (3):

CeGaT Center for Human Genetics Tuebingen
Classification: Likely benign. Last evaluated: 2026-03-01. Review status: criteria provided, single submitter. Criteria: CeGaT Center For Human Genetics Tuebingen Variant Classification Criteria Version 2. Collection method: clinical testing. Allele origin: germline. Affected: yes. Observed: 1 variant allele.
Comment: CDSN: BP4, BP7

Labcorp Genetics (formerly Invitae), Labcorp
Classification: Likely benign. Last evaluated: 2024-04-22. Review status: criteria provided, single submitter. Criteria: Invitae Variant Classification Sherloc (09022015). Collection method: clinical testing. Allele origin: germline.

PreventionGenetics, part of Exact Sciences
Classification: Likely benign for CDSN-related condition. Last evaluated: 2019-02-28. Review status: no assertion criteria provided. Collection method: clinical testing. Allele origin: germline. Not counted in ClinVar's aggregate classification.
Comment: This variant is classified as likely benign based on ACMG/AMP sequence variant interpretation guidelines (Richards et al. 2015 PMID: 25741868, with internal and published modifications).

NM_001264.5(CDSN):c.765G>A (p.Val255=)

Genes: CDSN (corneodesmosin; minus strand), PSORS1C1 (psoriasis susceptibility 1 candidate 1; plus strand). Cytogenetic location: 6p21.33.
Variant type: single nucleotide variant.
Coding change: c.765G>A on transcript NM_001264.5 (MANE Select); coding-DNA position 765, G replaced by A.
Protein change: p.Val255=; no amino-acid change (valine 255 retained).
Molecular consequence: synonymous variant. On other transcripts: intron variant (1).
Genome position (GRCh38, 1-based): chr6:31,116,850, C>T on the plus strand (G>A on the coding strand, the complement: CDSN is on the minus strand). VCF-style: chr6-31116850-C-T. GRCh37 (hg19) VCF-style: chr6-31084627-C-T.
Other names: c.-229+1959C>T (NM_014068.3).
Identifiers: ClinVar variation 2164867 (VCV002164867.10), dbSNP rs150163828, ClinGen allele CA3708431.